The following is an entry in ClinVar:

ClinVar aggregate classification (germline): Uncertain significance (1 of 4 stars; one submission).

gnomAD v4.1: 1 of 1,598,564 alleles (0.000063%); highest among the groups gnomAD compares: Admixed American, 0.0017%; no homozygotes.

Submission:

Labcorp Genetics (formerly Invitae), Labcorp
Classification: Uncertain significance. Last evaluated: 2024-03-04. Review status: criteria provided, single submitter. Criteria: Invitae Variant Classification Sherloc (09022015). Collection method: clinical testing. Allele origin: germline.
Comment: This sequence change replaces arginine, which is basic and polar, with proline, which is neutral and non-polar, at codon 131 of the NRL protein (p.Arg131Pro). This variant is not present in population databases (gnomAD no frequency). This variant has not been reported in the literature in individuals affected with NRL-related conditions. ClinVar contains an entry for this variant (Variation ID: 2179792). An algorithm developed to predict the effect of missense changes on protein structure and function (PolyPhen-2) suggests that this variant is likely to be disruptive. In summary, the available evidence is currently insufficient to determine the role of this variant in disease. Therefore, it has been classified as a Variant of Uncertain Significance.

NM_001354768.3(NRL):c.392G>C (p.Arg131Pro)

Gene: NRL (neural retina leucine zipper; minus strand). Cytogenetic location: 14q11.2.
Variant type: single nucleotide variant.
Coding change: c.392G>C on transcript NM_001354768.3 (MANE Select); coding-DNA position 392, G replaced by C.
Protein change: p.Arg131Pro; replaces arginine 131 with proline.
Molecular consequence: missense variant.
Genome position (GRCh38, 1-based): chr14:24,081,558, C>G on the plus strand (G>C on the coding strand, the complement: NRL is on the minus strand). VCF-style: chr14-24081558-C-G. GRCh37 (hg19) VCF-style: chr14-24550767-C-G.
Other names: c.392G>C, p.Arg131Pro (NM_001354769.1, NM_006177.5); c.77G>C, p.Arg26Pro (NM_001354770.2); short protein forms R26P, R131P.
Identifiers: ClinVar variation 2179792 (VCV002179792.4), dbSNP rs994926351, ClinGen allele CA389279088.
Genomic context (GRCh38, chr14:24,081,558, plus strand): 5'-CCCCGCAGCTGCCGGTTTAGCTCCCGCACAGACATCGAGACCAGCGCCGCGTCGGAAAAC[C>G]GCTCTGCCAGCTGCGGAGGGAGAATGCAGAAACCGGGTCAGCGCCAGGTCGCACCCGGCT-3'
Protein context (NP_001341697.1, residues 121-141): TGAQHVQLAE[Arg131Pro]FSDAALVSMS